The following is an entry in ClinVar:

ClinVar aggregate classification (germline): Likely benign. Review status: criteria provided, multiple submitters, no conflicts (2 of 4 stars). 3 submissions from 3 submitters: Likely benign (2). 1 of the submissions does not count toward it. Last evaluated 2018-05-22.

Conditions:
SLC35A1-related disorder. Also called: SLC35A1-related condition.

Allele frequency attached by ClinVar (database versions not stated): gnomAD exomes below 0.00001 and 0.00001; ExAC 0.00001; gnomAD 0.00003; TOPMed 0.00003.
gnomAD v4.1: 11 of 1,613,916 alleles (0.00068%); highest among the groups gnomAD compares: African/African-American, 0.012%; no homozygotes.

Submissions (3):

Labcorp Genetics (formerly Invitae), Labcorp
Classification: Likely benign. Last evaluated: 2018-05-22. Review status: criteria provided, single submitter. Criteria: Invitae Variant Classification Sherloc (09022015). Collection method: clinical testing. Allele origin: germline.

GeneDx
Classification: Likely benign. Last evaluated: 2018-04-17. Review status: criteria provided, single submitter. Criteria: GeneDx Variant Classification (06012015). Collection method: clinical testing. Allele origin: germline. Affected: yes.
Comment: This variant is considered likely benign or benign based on one or more of the following criteria: it is a conservative change, it occurs at a poorly conserved position in the protein, it is predicted to be benign by multiple in silico algorithms, and/or has population frequency not consistent with disease.

PreventionGenetics, part of Exact Sciences
Classification: Likely benign for SLC35A1-related condition. Last evaluated: 2020-12-16. Review status: no assertion criteria provided. Collection method: clinical testing. Allele origin: germline. Not counted in ClinVar's aggregate classification.
Comment: This variant is classified as likely benign based on ACMG/AMP sequence variant interpretation guidelines (Richards et al. 2015 PMID: 25741868, with internal and published modifications).

NM_006416.5(SLC35A1):c.468G>A (p.Thr156=)

Gene: SLC35A1 (solute carrier family 35 member A1; plus strand). Cytogenetic location: 6q15.
Variant type: single nucleotide variant.
Coding change: c.468G>A on transcript NM_006416.5 (MANE Select); coding-DNA position 468, G replaced by A.
Protein change: p.Thr156=; no amino-acid change (threonine 156 retained).
Molecular consequence: synonymous variant.
Genome position (GRCh38, 1-based): chr6:87,501,271, G>A. VCF-style: chr6-87501271-G-A. GRCh37 (hg19) VCF-style: chr6-88210989-G-A.
Other names: c.468G>A, p.Thr156= (NM_001168398.2).
Identifiers: ClinVar variation 681467 (VCV000681467.6), dbSNP rs777582994, ClinGen allele CA3915967.